The following is an entry in ClinVar:

NM_004998.4(MYO1E):c.1747T>C (p.Tyr583His)

Gene: MYO1E (myosin IE; minus strand). Cytogenetic location: 15q22.2.
Variant type: single nucleotide variant.
Coding change: c.1747T>C on transcript NM_004998.4 (MANE Select); coding-DNA position 1747, T replaced by C.
Protein change: p.Tyr583His; replaces tyrosine 583 with histidine.
Molecular consequence: missense variant.
Genome position (GRCh38, 1-based): chr15:59,195,519, A>G on the plus strand (T>C on the coding strand, the complement: MYO1E is on the minus strand). VCF-style: chr15-59195519-A-G. GRCh37 (hg19) VCF-style: chr15-59487718-A-G.
Other names: c.1747T>C (NM_004998.2); short protein forms Y583H.
Identifiers: ClinVar variation 1019283 (VCV001019283.11), dbSNP rs370199714, ClinGen allele CA7589509.

ClinVar aggregate classification (germline): Uncertain significance. Review status: criteria provided, multiple submitters, no conflicts (2 of 4 stars). 3 submissions from 3 submitters: Uncertain significance (3). Last evaluated 2025-06-12.

Conditions:
Inborn genetic diseases. Identifiers: MedGen C0950123, MeSH D030342.
Focal segmental glomerulosclerosis 6 (FSGS6). Identifiers: Orphanet 656, MedGen C3279905, MONDO:0013589, OMIM 614131.

Allele frequency attached by ClinVar (database versions not stated): ExAC 0.00002; gnomAD exomes 0.00002; ESP Exome Variant Server 0.00008; gnomAD 0.00012 and 0.00013; TOPMed 0.00012.
gnomAD v4.1: 30 of 1,613,998 alleles (0.0019%); highest among the groups gnomAD compares: African/African-American, 0.039%; no homozygotes.

Submissions (3):

Labcorp Genetics (formerly Invitae), Labcorp
Classification: Uncertain significance. Last evaluated: 2025-06-12. Review status: criteria provided, single submitter. Criteria: Invitae Variant Classification Sherloc (09022015). Collection method: clinical testing. Allele origin: germline.
Comment: This sequence change replaces tyrosine, which is neutral and polar, with histidine, which is basic and polar, at codon 583 of the MYO1E protein (p.Tyr583His). This variant is present in population databases (rs370199714, gnomAD 0.05%). This variant has not been reported in the literature in individuals affected with MYO1E-related conditions. ClinVar contains an entry for this variant (Variation ID: 1019283). Invitae Evidence Modeling of protein sequence and biophysical properties (such as structural, functional, and spatial information, amino acid conservation, physicochemical variation, residue mobility, and thermodynamic stability) indicates that this missense variant is expected to disrupt MYO1E protein function with a positive predictive value of 80%. In summary, the available evidence is currently insufficient to determine the role of this variant in disease. Therefore, it has been classified as a Variant of Uncertain Significance.

Ambry Genetics
Classification: Uncertain significance for Inborn genetic diseases. Last evaluated: 2024-06-03. Review status: criteria provided, single submitter. Criteria: Ambry Variant Classification Scheme 2023. Collection method: clinical testing. Allele origin: germline.

Fulgent Genetics
Classification: Uncertain significance for Focal segmental glomerulosclerosis 6. Last evaluated: 2024-02-27. Review status: criteria provided, single submitter. Criteria: ACMG Guidelines, 2015. Collection method: clinical testing. Allele origin: germline.